The following is an entry in ClinVar:

ClinVar aggregate classification (germline): Uncertain significance (1 of 4 stars; one submission).

Submission:

GeneDx
Classification: Uncertain significance. Last evaluated: 2023-07-09. Review status: criteria provided, single submitter. Criteria: GeneDx Variant Classification Process June 2021. Collection method: clinical testing. Allele origin: germline. Affected: yes.
Comment: Not observed at significant frequency in large population cohorts (gnomAD); In silico analysis supports a deleterious effect on splicing; Has not been previously published as pathogenic or benign to our knowledge

NM_001376.5(DYNC1H1):c.8177+3A>C

Gene: DYNC1H1 (dynein cytoplasmic 1 heavy chain 1; plus strand). Cytogenetic location: 14q32.31.
Variant type: single nucleotide variant.
Coding change: c.8177+3A>C on transcript NM_001376.5 (MANE Select); 3 bases into the intron after coding-DNA position 8177, A replaced by C.
Molecular consequence: intron variant.
Genome position (GRCh38, 1-based): chr14:102,017,507, A>C. VCF-style: chr14-102017507-A-C. GRCh37 (hg19) VCF-style: chr14-102483844-A-C.
Identifiers: ClinVar variation 3360270 (VCV003360270.1).